The following is an entry in ClinVar:

ClinVar aggregate classification (germline): Likely benign (0 of 4 stars; one submission).

Conditions:
UROS-related disorder. Also called: UROS-related condition.

Allele frequency attached by ClinVar (database versions not stated): TOPMed below 0.00001.

Submission:

PreventionGenetics, part of Exact Sciences
Classification: Likely benign for UROS-related condition. Last evaluated: 2020-11-18. Review status: no assertion criteria provided. Collection method: clinical testing. Allele origin: germline.
Comment: This variant is classified as likely benign based on ACMG/AMP sequence variant interpretation guidelines (Richards et al. 2015 PMID: 25741868, with internal and published modifications).

NM_000375.3(UROS):c.562-5C>T

Gene: UROS (uroporphyrinogen III synthase; minus strand). Cytogenetic location: 10q26.2.
Variant type: single nucleotide variant.
Coding change: c.562-5C>T on transcript NM_000375.3 (MANE Select); 5 bases into the intron before coding-DNA position 562, C replaced by T.
Molecular consequence: intron variant.
Genome position (GRCh38, 1-based): chr10:125,794,983, G>A on the plus strand (C>T on the coding strand, the complement: UROS is on the minus strand). VCF-style: chr10-125794983-G-A. GRCh37 (hg19) VCF-style: chr10-127483552-G-A.
Other names: c.481-5C>T (NM_001324038.2, NM_001324037.2); c.562-5C>T (NM_001324036.2).
Identifiers: ClinVar variation 3031242 (VCV003031242.2), dbSNP rs1810628909, ClinGen allele CA1943004037.
Genomic context (GRCh38, chr10:125,794,983, plus strand): 5'-TTGAGACTGTATGTGAGGCCAGAGGGACTAAAAAATGTGATGCTGGCTGGAACCCCCTGT[G>A]GGGAACAGAAAACAAGATCAGTCCTTGCCATGAGACTGAGGAGAGACAACATTCCTCCGG-3'